The following is an entry in ClinVar:

NM_001080512.3(BICC1):c.46C>A (p.Pro16Thr)

Gene: BICC1 (BicC family RNA binding protein 1; plus strand). Cytogenetic location: 10q21.1.
Variant type: single nucleotide variant.
Coding change: c.46C>A on transcript NM_001080512.3 (MANE Select); coding-DNA position 46, C replaced by A.
Protein change: p.Pro16Thr; replaces proline 16 with threonine.
Molecular consequence: missense variant.
Genome position (GRCh38, 1-based): chr10:58,513,189, C>A. VCF-style: chr10-58513189-C-A. GRCh37 (hg19) VCF-style: chr10-60272949-C-A.
Other names: short protein forms P16T.
Identifiers: ClinVar variation 2017880 (VCV002017880.4), dbSNP rs1356469236, ClinGen allele CA377058402.
Genomic context (GRCh38, chr10:58,513,189, plus strand): 5'-CGCTGCGCGCCCACCATGGCCGCCCAGGGAGAGCCCGGCTACCTGGCGGCGCAGTCGGAC[C>A]CCGGCTCCAACAGCGAGCGCAGCACCGACTCCCCAGTGCCCGGCTCCGAGGACGACTTGG-3'
Protein context (NP_001073981.1, residues 6-26): EPGYLAAQSD[Pro16Thr]GSNSERSTDS

ClinVar aggregate classification (germline): Uncertain significance (1 of 4 stars; one submission).

Allele frequency attached by ClinVar (database versions not stated): gnomAD exomes 0.00001; TOPMed 0.00001.
gnomAD v4.1: 5 of 1,592,274 alleles (0.00031%); highest among the groups gnomAD compares: Admixed American, 0.0052%; no homozygotes.

Submission:

Labcorp Genetics (formerly Invitae), Labcorp
Classification: Uncertain significance. Last evaluated: 2022-07-27. Review status: criteria provided, single submitter. Criteria: Invitae Variant Classification Sherloc (09022015). Collection method: clinical testing. Allele origin: germline.
Comment: In summary, the available evidence is currently insufficient to determine the role of this variant in disease. Therefore, it has been classified as a Variant of Uncertain Significance. Algorithms developed to predict the effect of missense changes on protein structure and function (SIFT, PolyPhen-2, Align-GVGD) all suggest that this variant is likely to be tolerated. This variant has not been reported in the literature in individuals affected with BICC1-related conditions. This variant is present in population databases (no rsID available, gnomAD 0.01%). This sequence change replaces proline, which is neutral and non-polar, with threonine, which is neutral and polar, at codon 16 of the BICC1 protein (p.Pro16Thr).